The following is an entry in ClinVar:

NM_014251.3(SLC25A13):c.1420G>C (p.Val474Leu)

Gene: SLC25A13 (solute carrier family 25 member 13; minus strand). Cytogenetic location: 7q21.3.
Variant type: single nucleotide variant.
Coding change: c.1420G>C on transcript NM_014251.3 (MANE Select); coding-DNA position 1420, G replaced by C.
Protein change: p.Val474Leu; replaces valine 474 with leucine.
Molecular consequence: missense variant. On other transcripts: non-coding transcript variant (1).
Genome position (GRCh38, 1-based): chr7:96,146,588, C>G on the plus strand (G>C on the coding strand, the complement: SLC25A13 is on the minus strand). VCF-style: chr7-96146588-C-G. GRCh37 (hg19) VCF-style: chr7-95775900-C-G.
Other names: c.1423G>C, p.Val475Leu (NM_001160210.2); short protein forms V475L, V474L.
Identifiers: ClinVar variation 2188109 (VCV002188109.4), dbSNP rs554809009, ClinGen allele CA368255973.
Genomic context (GRCh38, chr7:96,146,588, plus strand): 5'-TAAATGACTAAAAAAAAAAAAAAGTTACCTTGTAGATCCCAAAAAACCCCAGGTCCCGCA[C>G]GACAGACAGAGCACTGACTCGAGGACCAGTGGTGATTTCTCCTGCCACTTGCAAACGGAT-3'
Protein context (NP_055066.1, residues 464-484): TGPRVSALSV[Val474Leu]RDLGFFGIYK

ClinVar aggregate classification (germline): Uncertain significance (1 of 4 stars; one submission).

Conditions:
Citrin deficiency. Identifiers: Orphanet 247582, MedGen C1997910, MONDO:0016602.

Submission:

Labcorp Genetics (formerly Invitae), Labcorp
Classification: Uncertain significance for Citrin deficiency. Last evaluated: 2024-12-09. Review status: criteria provided, single submitter. Criteria: Invitae Variant Classification Sherloc (09022015). Collection method: clinical testing. Allele origin: germline.
Comment: This sequence change replaces valine, which is neutral and non-polar, with leucine, which is neutral and non-polar, at codon 474 of the SLC25A13 protein (p.Val474Leu). This variant is not present in population databases (gnomAD no frequency). This variant has not been reported in the literature in individuals affected with SLC25A13-related conditions. ClinVar contains an entry for this variant (Variation ID: 2188109). Invitae Evidence Modeling of protein sequence and biophysical properties (such as structural, functional, and spatial information, amino acid conservation, physicochemical variation, residue mobility, and thermodynamic stability) indicates that this missense variant is not expected to disrupt SLC25A13 protein function with a negative predictive value of 95%. In summary, the available evidence is currently insufficient to determine the role of this variant in disease. Therefore, it has been classified as a Variant of Uncertain Significance.